The following is an entry in ClinVar:

ClinVar aggregate classification (germline): Conflicting classifications of pathogenicity. Review status: criteria provided, conflicting classifications (1 of 4 stars). 2 submissions from 2 submitters: Uncertain significance (1); Likely benign (1). Last evaluated 2025-05-05.

Conditions:
Hereditary cancer-predisposing syndrome. Also called: Neoplastic Syndromes, Hereditary; Tumor predisposition; Hereditary Cancer Syndrome; Hereditary neoplastic syndrome. Identifiers: Orphanet 140162, MedGen C0027672, MeSH D009386, MONDO:0015356.
Hereditary breast ovarian cancer syndrome. Also called: BRCA1- and BRCA2-Associated Hereditary Breast and Ovarian Cancer; Hereditary breast and ovarian cancer syndrome; Hereditary breast and ovarian cancer; Hereditary breast and ovarian cancer syndrome (HBOC); Breast and ovarian cancer; Hereditary breast and/or ovarian cancer syndrome. Identifiers: Orphanet 145, MedGen C0677776, MeSH D061325, MONDO:0003582. Disease mechanism: loss of function.

Submissions (2):

Ambry Genetics
Classification: Likely benign for Hereditary cancer-predisposing syndrome. Last evaluated: 2025-05-05. Review status: criteria provided, single submitter. Criteria: Ambry Variant Classification Scheme 2023. Collection method: clinical testing. Allele origin: germline.

Labcorp Genetics (formerly Invitae), Labcorp
Classification: Uncertain significance for Hereditary breast ovarian cancer syndrome. Last evaluated: 2024-01-31. Review status: criteria provided, single submitter. Criteria: Invitae Variant Classification Sherloc (09022015). Collection method: clinical testing. Allele origin: germline.
Comment: This sequence change replaces glutamine, which is neutral and polar, with histidine, which is basic and polar, at codon 2561 of the BRCA2 protein (p.Gln2561His). This variant is not present in population databases (gnomAD no frequency). This variant has not been reported in the literature in individuals affected with BRCA2-related conditions. ClinVar contains an entry for this variant (Variation ID: 230414). Advanced modeling of protein sequence and biophysical properties (such as structural, functional, and spatial information, amino acid conservation, physicochemical variation, residue mobility, and thermodynamic stability) performed at Invitae indicates that this missense variant is not expected to disrupt BRCA2 protein function with a negative predictive value of 95%. In summary, the available evidence is currently insufficient to determine the role of this variant in disease. Therefore, it has been classified as a Variant of Uncertain Significance.

NM_000059.4(BRCA2):c.7683G>C (p.Gln2561His)

Gene: BRCA2 (BRCA2 DNA repair associated; plus strand). Cytogenetic location: 13q13.1.
Variant type: single nucleotide variant.
Coding change: c.7683G>C on transcript NM_000059.4 (MANE Select); coding-DNA position 7683, G replaced by C.
Protein change: p.Gln2561His; replaces glutamine 2561 with histidine.
Molecular consequence: missense variant.
Genome position (GRCh38, 1-based): chr13:32,357,807, G>C. VCF-style: chr13-32357807-G-C. GRCh37 (hg19) VCF-style: chr13-32931944-G-C.
Other names: short protein forms Q2561H.
Identifiers: ClinVar variation 230414 (VCV000230414.9), dbSNP rs786201304, ClinGen allele CA10579748.